The following is an entry in ClinVar:

NM_213599.3(ANO5):c.879-9_879-6del

Gene: ANO5 (anoctamin 5; plus strand). Cytogenetic location: 11p14.3.
Variant type: Deletion.
Coding change: c.879-9_879-6del on transcript NM_213599.3 (MANE Select); 9 bases into the intron before coding-DNA position 879 through 6 bases into the intron before coding-DNA position 879, 4 bases deleted (TTTT; older notation c.879-9_879-6delTTTT).
Molecular consequence: intron variant.
Genome position (GRCh38, 1-based): chr11:22,250,228-22,250,231, TTTT deleted; deleting any 4 consecutive bases within chr11:22,250,227-22,250,231 gives the same sequence; the c. name uses the placement nearest the transcript's 3' end. VCF-style (leftmost placement, unchanged base first): chr11-22250226-CTTTT-C. GRCh37 (hg19) VCF-style: chr11-22271772-CTTTT-C.
Other names: c.837-9_837-6del (NM_001410963.1); c.876-9_876-6del (NM_001142649.2); c.834-9_834-6del (NM_001410964.1).
Identifiers: ClinVar variation 3760344 (VCV003760344.2).

ClinVar aggregate classification (germline): Uncertain significance (1 of 4 stars; one submission).

Conditions:
Gnathodiaphyseal dysplasia (GDD). Also called: GNATHODIAPHYSEAL SCLEROSIS; OSTEOGENESIS IMPERFECTA WITH UNUSUAL SKELETAL LESIONS. Identifiers: Orphanet 53697, MedGen C1833736, MONDO:0008151, OMIM 166260.
Autosomal recessive limb-girdle muscular dystrophy type 2L (LGMDR12). Also called: Limb-girdle muscular dystrophy, type 2L; MUSCULAR DYSTROPHY, LIMB-GIRDLE, AUTOSOMAL RECESSIVE 12; Limb-Girdle Muscular Dystrophy R12 Anoctamin-5-Related (LGMD-R12). Identifiers: Orphanet 206549, MedGen C1969785, MONDO:0012652, OMIM 611307.

Submission:

Labcorp Genetics (formerly Invitae), Labcorp
Classification: Uncertain significance for Autosomal recessive limb-girdle muscular dystrophy type 2L; Gnathodiaphyseal dysplasia. Last evaluated: 2025-01-20. Review status: criteria provided, single submitter. Criteria: Invitae Variant Classification Sherloc (09022015). Collection method: clinical testing. Allele origin: germline.
Comment: This sequence change falls in intron 9 of the ANO5 gene. It does not directly change the encoded amino acid sequence of the ANO5 protein. This variant is not present in population databases (gnomAD no frequency). This variant has not been reported in the literature in individuals affected with ANO5-related conditions. Algorithms developed to predict the effect of sequence changes on RNA splicing suggest that this variant may disrupt the consensus splice site. In summary, the available evidence is currently insufficient to determine the role of this variant in disease. Therefore, it has been classified as a Variant of Uncertain Significance.